The following is an entry in ClinVar:

NM_002662.5(PLD1):c.2429+6del

Gene: PLD1 (phospholipase D1; minus strand). Cytogenetic location: 3q26.31.
Variant type: Deletion.
Coding change: c.2429+6del on transcript NM_002662.5 (MANE Select); 6 bases into the intron after coding-DNA position 2429, one base deleted (A; older notation c.2429+6delA).
Molecular consequence: intron variant.
Genome position (GRCh38, 1-based): chr3:171,659,207, T deleted on the plus strand (A on the coding strand, the reverse complement: PLD1 is on the minus strand). VCF-style (leftmost placement, unchanged base first): chr3-171659206-CT-C. GRCh37 (hg19) VCF-style: chr3-171376996-CT-C.
Other names: c.2315+6del (NM_001130081.3).
Identifiers: ClinVar variation 3040689 (VCV003040689.2), dbSNP rs2473751764, ClinGen allele CA2528745676.

ClinVar aggregate classification (germline): Likely benign (0 of 4 stars; one submission).

Conditions:
PLD1-related disorder. Also called: PLD1-related condition.

Allele frequency attached by ClinVar (database versions not stated): gnomAD exomes 0.00001.

Submission:

PreventionGenetics, part of Exact Sciences
Classification: Likely benign for PLD1-related condition. Last evaluated: 2019-09-17. Review status: no assertion criteria provided. Collection method: clinical testing. Allele origin: germline.
Comment: This variant is classified as likely benign based on ACMG/AMP sequence variant interpretation guidelines (Richards et al. 2015 PMID: 25741868, with internal and published modifications).